The following is an entry in ClinVar:

NM_001081.4(CUBN):c.5210-7C>G

Gene: CUBN (cubilin; minus strand). Cytogenetic location: 10p13.
Variant type: single nucleotide variant.
Coding change: c.5210-7C>G on transcript NM_001081.4 (MANE Select); 7 bases into the intron before coding-DNA position 5210, C replaced by G.
Molecular consequence: intron variant.
Genome position (GRCh38, 1-based): chr10:16,947,374, G>C on the plus strand (C>G on the coding strand, the complement: CUBN is on the minus strand). VCF-style: chr10-16947374-G-C. GRCh37 (hg19) VCF-style: chr10-16989373-G-C.
Identifiers: ClinVar variation 698182 (VCV000698182.12), dbSNP rs760324864, ClinGen allele CA5424078.
Genomic context (GRCh38, chr10:16,947,374, plus strand): 5'-GGTAGCCAGGGCTGTTGAAGATGCCTTCAGCCATGTAGAACGTTCCACCACAAGCTGGAA[G>C]AAAATAGAAATAAAGTGAGTATCAGAGCAAAGACTGCATCAGACACTATAAAATAAAGGA-3'

ClinVar aggregate classification (germline): Benign/Likely benign. Review status: criteria provided, multiple submitters, no conflicts (2 of 4 stars). 3 submissions from 3 submitters: Benign (1); Likely benign (1). 1 of the submissions does not count toward it. Last evaluated 2024-03-05.

Conditions:
CUBN-related disorder. Also called: CUBN-related condition.
Imerslund-Grasbeck syndrome type 1 (IGS1). Also called: Megaloblastic anemia 1, Finnish type; MEGALOBLASTIC ANEMIA, 1; Imerslund-Gräsbeck syndrome 1. Identifiers: MedGen C4016819, MONDO:0100156, OMIM 261100.
Proteinuria, chronic benign. Identifiers: MedGen C5394384, MONDO:0030042, OMIM 618884.
Imerslund-Grasbeck syndrome. Also called: Megaloblastic anemia due to inborn errors of metabolism; ENTEROCYTE COBALAMIN MALABSORPTION; ENTEROCYTE INTRINSIC FACTOR RECEPTOR, DEFECT OF; Imerslund-Gräsbeck syndrome; PERNICIOUS ANEMIA, JUVENILE, DUE TO SELECTIVE INTESTINAL MALABSORPTION OF VITAMIN B12, WITH PROTEINURIA. Identifiers: Orphanet 35858, MedGen C4551825, MONDO:0009853.

Allele frequency attached by ClinVar (database versions not stated): gnomAD exomes 0.00003 and 0.00026; gnomAD 0.00007 and 0.00006; ExAC 0.00027; TOPMed 0.00010.
gnomAD v4.1: 50 of 1,613,768 alleles (0.0031%); highest among the groups gnomAD compares: East Asian, 0.11%; no homozygotes.

Submissions (3):

Labcorp Genetics (formerly Invitae), Labcorp
Classification: Benign for Imerslund-Grasbeck syndrome. Last evaluated: 2024-03-05. Review status: criteria provided, single submitter. Criteria: Invitae Variant Classification Sherloc (09022015). Collection method: clinical testing. Allele origin: germline.

Fulgent Genetics
Classification: Likely benign for Imerslund-Grasbeck syndrome type 1; Proteinuria, chronic benign. Last evaluated: 2022-02-08. Review status: criteria provided, single submitter. Criteria: ACMG Guidelines, 2015. Collection method: clinical testing. Allele origin: unknown.

PreventionGenetics, part of Exact Sciences
Classification: Likely benign for CUBN-related condition. Last evaluated: 2019-02-27. Review status: no assertion criteria provided. Collection method: clinical testing. Allele origin: germline. Not counted in ClinVar's aggregate classification.
Comment: This variant is classified as likely benign based on ACMG/AMP sequence variant interpretation guidelines (Richards et al. 2015 PMID: 25741868, with internal and published modifications).